The following is an entry in ClinVar:

ClinVar aggregate classification (germline): Likely benign (1 of 4 stars; one submission).

Allele frequency attached by ClinVar (database versions not stated): TOPMed 0.00001; gnomAD 0.00003.
gnomAD v4.1: 7 of 1,479,558 alleles (0.00047%); highest among the groups gnomAD compares: Middle Eastern, 0.02%; no homozygotes.

Submission:

GeneDx
Classification: Likely benign. Last evaluated: 2016-08-09. Review status: criteria provided, single submitter. Criteria: GeneDx Variant Classification (06012015). Collection method: clinical testing. Allele origin: germline. Affected: yes.
Comment: This variant is considered likely benign or benign based on one or more of the following criteria: it is a conservative change, it occurs at a poorly conserved position in the protein, it is predicted to be benign by multiple in silico algorithms, and/or has population frequency not consistent with disease.

NM_007347.5(AP4E1):c.-47C>A

Gene: AP4E1 (adaptor related protein complex 4 subunit epsilon 1; plus strand). Cytogenetic location: 15q21.2.
Variant type: single nucleotide variant.
Coding change: c.-47C>A on transcript NM_007347.5 (MANE Select); 47 bases upstream of the start codon, C replaced by A.
Molecular consequence: 5 prime UTR variant.
Genome position (GRCh38, 1-based): chr15:50,908,732, C>A. VCF-style: chr15-50908732-C-A. GRCh37 (hg19) VCF-style: chr15-51200929-C-A.
Other names: c.-295C>A (NM_001252127.2).
Identifiers: ClinVar variation 388440 (VCV000388440.1), dbSNP rs773502598, ClinGen allele CA16606981.